The following is an entry in ClinVar:

NM_199420.4(POLQ):c.7301G>A (p.Cys2434Tyr)

Gene: POLQ (DNA polymerase theta; minus strand). Cytogenetic location: 3q13.33.
Variant type: single nucleotide variant.
Coding change: c.7301G>A on transcript NM_199420.4 (MANE Select); coding-DNA position 7301, G replaced by A.
Protein change: p.Cys2434Tyr; replaces cysteine 2434 with tyrosine.
Molecular consequence: missense variant.
Genome position (GRCh38, 1-based): chr3:121,440,080, C>T on the plus strand (G>A on the coding strand, the complement: POLQ is on the minus strand). VCF-style: chr3-121440080-C-T. GRCh37 (hg19) VCF-style: chr3-121158927-C-T.
Other names: short protein forms C2434Y.
Identifiers: ClinVar variation 3422352 (VCV003422352.1).

ClinVar aggregate classification (germline): Uncertain significance (1 of 4 stars; one submission).

gnomAD v4.1: 1 of 1,608,148 alleles (0.000062%); highest among the groups gnomAD compares: Non-Finnish European, 0.000085%; no homozygotes.

Submission:

Ambry Genetics
Classification: Uncertain significance. Last evaluated: 2024-07-11. Review status: criteria provided, single submitter. Criteria: Ambry Variant Classification Scheme 2023. Collection method: clinical testing. Allele origin: germline.
Comment: The p.C2434Y variant (also known as c.7301G>A), located in coding exon 27 of the POLQ gene, results from a G to A substitution at nucleotide position 7301. The cysteine at codon 2434 is replaced by tyrosine, an amino acid with highly dissimilar properties. This amino acid position is conserved. In addition, this alteration is predicted to be deleterious by in silico analysis. Based on the available evidence, the clinical significance of this variant remains unclear.